The following is an entry in ClinVar:

NM_001174150.2(ARL13B):c.1043C>G (p.Thr348Ser)

Gene: ARL13B (ARF like GTPase 13B; plus strand). Cytogenetic location: 3q11.2.
Variant type: single nucleotide variant.
Coding change: c.1043C>G on transcript NM_001174150.2 (MANE Select); coding-DNA position 1043, C replaced by G.
Protein change: p.Thr348Ser; replaces threonine 348 with serine.
Molecular consequence: missense variant. On other transcripts: non-coding transcript variant (2).
Genome position (GRCh38, 1-based): chr3:94,049,424, C>G. VCF-style: chr3-94049424-C-G. GRCh37 (hg19) VCF-style: chr3-93768268-C-G.
Other names: c.734C>G, p.Thr245Ser (NM_001174151.2); c.998C>G, p.Thr333Ser (NM_001321328.2); c.722C>G, p.Thr241Ser (NM_144996.4); c.1043C>G, p.Thr348Ser (NM_182896.3); short protein forms T348S, T245S, T241S, T333S.
Identifiers: ClinVar variation 128452 (VCV000128452.21), dbSNP rs33944211, ClinGen allele CA151905.

ClinVar aggregate classification (germline): Benign/Likely benign. Review status: criteria provided, multiple submitters, no conflicts (2 of 4 stars). 9 submissions from 9 submitters: Benign (6); Likely benign (1). 2 of the submissions do not count toward it. Last evaluated 2026-02-04.

Conditions:
Joubert syndrome 8 (JBTS8). Identifiers: Orphanet 475, MedGen C2676771, MONDO:0012855, OMIM 612291.

Allele frequency attached by ClinVar (database versions not stated): TOPMed 0.07487; 1000 Genomes Project 30x 0.07542; 1000 Genomes Project 0.07768; gnomAD 0.07857 and 0.08150; ESP Exome Variant Server 0.08696; gnomAD exomes 0.09801 and 0.10761; ExAC 0.10097.
gnomAD v4.1: 168,754 of 1,601,378 alleles (11%); highest among the groups gnomAD compares: Middle Eastern, 15%; 9,697 homozygotes.

Submissions (13):

Labcorp Genetics (formerly Invitae), Labcorp
Classification: Benign for Joubert syndrome 8. Last evaluated: 2026-02-04. Review status: criteria provided, single submitter. Criteria: Invitae Variant Classification Sherloc (09022015). Collection method: clinical testing. Allele origin: germline.

Blueprint Genetics
Classification: Likely benign. Last evaluated: 2024-11-26. Review status: criteria provided, single submitter. Criteria: ACMG Guidelines, 2015. Collection method: clinical testing. Allele origin: germline.

Mayo Clinic Laboratories, Mayo Clinic
Classification: Benign. Last evaluated: 2022-03-09. Review status: criteria provided, single submitter. Criteria: ACMG Guidelines, 2015. Collection method: clinical testing. Allele origin: germline. Observed: 12 variant alleles.

Clinical Genetics DNA and cytogenetics Diagnostics Lab, Erasmus MC, Erasmus Medical Center
Classification: Benign for Joubert syndrome 8. Last evaluated: 2017-05-31. Review status: criteria provided, single submitter. Criteria: ACGS Guidelines, 2013. Collection method: clinical testing. Allele origin: germline. Affected: yes. Study: VKGL Data-share Consensus.

GeneDx
Classification: Benign. Last evaluated: 2016-03-02. Review status: criteria provided, single submitter. Criteria: GeneDx Variant Classification (06012015). Collection method: clinical testing. Allele origin: germline. Affected: yes.
Comment: This variant is considered likely benign or benign based on one or more of the following criteria: it is a conservative change, it occurs at a poorly conserved position in the protein, it is predicted to be benign by multiple in silico algorithms, and/or has population frequency not consistent with disease.

Breakthrough Genomics
Classification: Benign. Review status: criteria provided, single submitter. Criteria: ACMG Guidelines, 2015. Collection method: not provided. Allele origin: germline. Inheritance: Autosomal recessive inheritance. Affected: yes.

PreventionGenetics, part of Exact Sciences
Classification: Benign. Review status: criteria provided, single submitter. Criteria: ACMG Guidelines, 2015. Collection method: clinical testing. Allele origin: germline.

Diagnostic Laboratory, Department of Genetics, University Medical Center Groningen
Classification: Benign for Joubert syndrome 8. Review status: no assertion criteria provided. Collection method: clinical testing. Allele origin: germline. Affected: yes. Study: VKGL Data-share Consensus. Not counted in ClinVar's aggregate classification.

Dr. Peter K. Rogan Lab, Western University
No classification provided (evidence only). Condition: Colorectal cancer. Review status: no classification provided. Collection method: in vitro. Allele origin: not applicable. Functional consequence: skipped exon. Not counted in ClinVar's aggregate classification.

Dr. Peter K. Rogan Lab, Western University
No classification provided (evidence only). Condition: Malignant lymphoma, large B-cell, diffuse. Review status: no classification provided. Collection method: in vitro. Allele origin: not applicable. Functional consequence: retained intron. Not counted in ClinVar's aggregate classification.

Dr. Peter K. Rogan Lab, Western University
No classification provided (evidence only). Condition: Adrenocortical carcinoma, hereditary. Review status: no classification provided. Collection method: in vitro. Allele origin: not applicable. Functional consequence: skipped exon. Not counted in ClinVar's aggregate classification.

Dr. Peter K. Rogan Lab, Western University
No classification provided (evidence only). Condition: Uterine carcinosarcoma. Review status: no classification provided. Collection method: in vitro. Allele origin: not applicable. Functional consequence: retained intron. Not counted in ClinVar's aggregate classification.

Genetic Services Laboratory, University of Chicago
Classification: Likely benign for AllHighlyPenetrant. Review status: no assertion criteria provided. Collection method: clinical testing. Allele origin: germline. Inheritance: Autosomal recessive inheritance. Not counted in ClinVar's aggregate classification.
Comment: Likely benign based on allele frequency in 1000 Genomes Project or ESP global frequency and its presence in a patient with a rare or unrelated disease phenotype. NOT Sanger confirmed.